The following is an entry in ClinVar:

ClinVar aggregate classification (germline): Uncertain significance. Review status: criteria provided, multiple submitters, no conflicts (2 of 4 stars). 2 submissions from 2 submitters: Uncertain significance (2). Last evaluated 2025-08-29.

Conditions:
Inborn genetic diseases. Identifiers: MedGen C0950123, MeSH D030342.
LAMB2-related infantile-onset nephrotic syndrome. Also called: Nephrotic Syndrome, type 5; NEPHROTIC SYNDROME, TYPE 5, WITHOUT OCULAR ABNORMALITIES; NEPHROTIC SYNDROME, TYPE 5, WITH OCULAR ABNORMALITIES. Identifiers: Orphanet 306507, MedGen C3280113, MONDO:0013621, OMIM 614199.
Pierson syndrome. Also called: MICROCORIA-CONGENITAL NEPHROTIC SYNDROME. Identifiers: Orphanet 2670, MedGen C1836876, MONDO:0012184, OMIM 609049.

Allele frequency attached by ClinVar (database versions not stated): gnomAD 0.00001; gnomAD exomes 0.00001; TOPMed 0.00001; ExAC 0.00002.
gnomAD v4.1: 22 of 1,613,676 alleles (0.0014%); highest among the groups gnomAD compares: Non-Finnish European, 0.0019%; no homozygotes.

Submissions (2):

Ambry Genetics
Classification: Uncertain significance for Inborn genetic diseases. Last evaluated: 2025-08-29. Review status: criteria provided, single submitter. Criteria: Ambry Variant Classification Scheme 2023. Collection method: clinical testing. Allele origin: germline.

Labcorp Genetics (formerly Invitae), Labcorp
Classification: Uncertain significance for LAMB2-related infantile-onset nephrotic syndrome; Pierson syndrome. Last evaluated: 2021-08-27. Review status: criteria provided, single submitter. Criteria: Invitae Variant Classification Sherloc (09022015). Collection method: clinical testing. Allele origin: germline.
Comment: This sequence change replaces alanine with threonine at codon 1628 of the LAMB2 protein (p.Ala1628Thr). The alanine residue is highly conserved and there is a small physicochemical difference between alanine and threonine. This variant is present in population databases (rs774017887, ExAC 0.003%). This variant has not been reported in the literature in individuals affected with LAMB2-related conditions. Algorithms developed to predict the effect of missense changes on protein structure and function (SIFT, PolyPhen-2, Align-GVGD) all suggest that this variant is likely to be tolerated. In summary, the available evidence is currently insufficient to determine the role of this variant in disease. Therefore, it has been classified as a Variant of Uncertain Significance.

NM_002292.4(LAMB2):c.4882G>A (p.Ala1628Thr)

Gene: LAMB2 (laminin subunit beta 2; minus strand). Cytogenetic location: 3p21.31.
Variant type: single nucleotide variant.
Coding change: c.4882G>A on transcript NM_002292.4 (MANE Select); coding-DNA position 4882, G replaced by A.
Protein change: p.Ala1628Thr; replaces alanine 1628 with threonine.
Molecular consequence: missense variant.
Genome position (GRCh38, 1-based): chr3:49,121,985, C>T on the plus strand (G>A on the coding strand, the complement: LAMB2 is on the minus strand). VCF-style: chr3-49121985-C-T. GRCh37 (hg19) VCF-style: chr3-49159418-C-T.
Other names: c.4882G>A (NM_002292.3); short protein forms A1628T.
Identifiers: ClinVar variation 1053084 (VCV001053084.3), dbSNP rs774017887, ClinGen allele CA2393673.